The following is an entry in ClinVar:

ClinVar aggregate classification (germline): Likely benign. Review status: reviewed by expert panel (3 of 4 stars). 5 submissions from 5 submitters: Likely benign (1). 4 of the submissions do not count toward it. Last evaluated 2026-01-12.

Conditions:
Open-angle glaucoma. Identifiers: MedGen C0017612, MONDO:0005338, HP:0012108.
MYOC-related disorder. Also called: MYOC-related condition; MYOC-related disorders. Identifiers: MedGen CN239330.

Allele frequency attached by ClinVar (database versions not stated): gnomAD exomes 0.00008 and 0.00021; ExAC 0.00028; gnomAD 0.00080 and 0.00086; ESP Exome Variant Server 0.00085; 1000 Genomes Project 30x 0.00094; TOPMed 0.00099; 1000 Genomes Project 0.00100.

Submissions (5):

ClinGen Glaucoma Variant Curation Expert Panel
Classification: Likely benign for Open-angle glaucoma. Last evaluated: 2026-01-12. Review status: reviewed by expert panel. Criteria: ClinGen Glaucoma ACMG Specifications V2.0.0 Approved. Collection method: curation. Allele origin: germline. Inheritance: Autosomal dominant inheritance.
Comment: The c.985G>A variant in MYOC is a missense variant predicted to cause substitution of Valine by Methionine at amino acid 329 (p.Val329Met). The highest minor allele frequency of this variant was in the African/African-American genetic ancestry group of gnomAD (v4.1.0) = 0.002585, which met the ≥ 0.001 threshold set for BS1 (194 alleles out of 75,050, meeting the threshold of ≥ 5 of at least 2,000 observed alleles). The REVEL score = 0.466, which was neither above nor below the thresholds for PP3 (≥ 0.644) or BP4 (≤ 0.290), predicting a damaging or benign impact on MYOC function. The Val329Met protein had similar solubility, stability and secretion levels compared to wild type myocilin protein in these studies (PMIDs: 11004290, 36267417, 36579626). The assays met the OddsPath threshold for BS3_Moderate (< 0.23), indicating that this variant did not impact protein function. This protein has also been assessed in these other studies (PMIDs: 25524706, 36579626), however, the same level of evidence was not met. Although probands with juvenile or primary open angle glaucoma have been reported carrying this variant, PM2_Supporting was not met, therefore PS4 did not apply. In summary, this variant met the criteria to receive a score of -6 and to be classified as likely benign (likely benign classification range -2 to -6, adapted from PMID: 32720330) for juvenile open angle glaucoma based on the ACMG/AMP criteria met, as specified by the ClinGen Glaucoma VCEP (v2.0.0, 5 Dec 2024): BS1, BS3_Moderate.

CeGaT Center for Human Genetics Tuebingen
Classification: Likely benign. Last evaluated: 2023-11-01. Review status: criteria provided, single submitter. Criteria: CeGaT Center For Human Genetics Tuebingen Variant Classification Criteria Version 2. Collection method: clinical testing. Allele origin: germline. Affected: yes. Observed: 1 variant allele. Not counted in ClinVar's aggregate classification.
Comment: MYOC: BS1

Labcorp Genetics (formerly Invitae), Labcorp
Classification: Likely benign. Last evaluated: 2022-03-17. Review status: criteria provided, single submitter. Criteria: Invitae Variant Classification Sherloc (09022015). Collection method: clinical testing. Allele origin: germline. Not counted in ClinVar's aggregate classification.

Breakthrough Genomics
Classification: Likely benign. Review status: criteria provided, single submitter. Criteria: ACMG Guidelines, 2015. Collection method: not provided. Allele origin: germline. Inheritance: Autosomal dominant inheritance. Affected: yes. Not counted in ClinVar's aggregate classification.

PreventionGenetics, part of Exact Sciences
Classification: Likely benign for MYOC-related condition. Last evaluated: 2024-05-15. Review status: no assertion criteria provided. Collection method: clinical testing. Allele origin: germline. Not counted in ClinVar's aggregate classification.
Comment: This variant is classified as likely benign based on ACMG/AMP sequence variant interpretation guidelines (Richards et al. 2015 PMID: 25741868, with internal and published modifications).

Literature cited by the submitters: PubMed 36267417 (cited by ClinGen Glaucoma Variant Curation Expert Panel); PubMed 11004290 (cited by ClinGen Glaucoma Variant Curation Expert Panel); PubMed 36579626 (cited by ClinGen Glaucoma Variant Curation Expert Panel); PubMed 25524706 (cited by ClinGen Glaucoma Variant Curation Expert Panel).

NM_000261.2(MYOC):c.985G>A (p.Val329Met)

Gene: MYOC (myocilin; minus strand). Cytogenetic location: 1q24.3.
Variant type: single nucleotide variant.
Coding change: c.985G>A on transcript NM_000261.2 (MANE Select); coding-DNA position 985, G replaced by A.
Protein change: p.Val329Met; replaces valine 329 with methionine.
Molecular consequence: missense variant.
Genome position (GRCh38, 1-based): chr1:171,636,455, C>T on the plus strand (G>A on the coding strand, the complement: MYOC is on the minus strand). VCF-style: chr1-171636455-C-T. GRCh37 (hg19) VCF-style: chr1-171605595-C-T.
Other names: NM_000261.2:c.985G>A; c.985G>A (NM_000261.1); short protein forms V329M.
Identifiers: ClinVar variation 1111192 (VCV001111192.36), dbSNP rs146391864, ClinGen allele CA1244106.